The following is an entry in ClinVar:

ClinVar aggregate classification (germline): Likely benign (1 of 4 stars; one submission).

Allele frequency attached by ClinVar (database versions not stated): ExAC 0.00001; gnomAD 0.00001; gnomAD exomes 0.00001; TOPMed 0.00001.
gnomAD v4.1: 10 of 1,614,078 alleles (0.00062%); highest among the groups gnomAD compares: Admixed American, 0.0017%; no homozygotes.

Submission:

CeGaT Center for Human Genetics Tuebingen
Classification: Likely benign. Last evaluated: 2025-02-01. Review status: criteria provided, single submitter. Criteria: CeGaT Center For Human Genetics Tuebingen Variant Classification Criteria Version 2. Collection method: clinical testing. Allele origin: germline. Affected: yes. Observed: 2 variant alleles.
Comment: AGO2: BP4, BP7

NM_012154.5(AGO2):c.669G>A (p.Ala223=)

Genes: AGO2 (argonaute RISC catalytic component 2; minus strand), LOC126860545 (MED14-independent group 3 enhancer GRCh37_chr8:141569579-141570778; plus strand). Cytogenetic location: 8q24.3.
Variant type: single nucleotide variant.
Coding change: c.669G>A on transcript NM_012154.5 (MANE Select); coding-DNA position 669, G replaced by A.
Protein change: p.Ala223=; no amino-acid change (alanine 223 retained).
Molecular consequence: synonymous variant.
Genome position (GRCh38, 1-based): chr8:140,559,516, C>T on the plus strand (G>A on the coding strand, the complement: AGO2 is on the minus strand). VCF-style: chr8-140559516-C-T. GRCh37 (hg19) VCF-style: chr8-141569615-C-T.
Other names: c.669G>A, p.Ala223= (NM_001164623.3).
Identifiers: ClinVar variation 2658864 (VCV002658864.24), dbSNP rs767782553, ClinGen allele CA4894621.